The following is an entry in ClinVar:

ClinVar aggregate classification (germline): Benign/Likely benign. Review status: criteria provided, multiple submitters, no conflicts (2 of 4 stars). 14 submissions from 13 submitters: Benign (10); Likely benign (4). Last evaluated 2026-05-11.

Conditions:
Hypobetalipoproteinemia. Identifiers: Orphanet 31154, MedGen C0020597, MONDO:0017774.
Familial hypercholesterolemia. Also called: Familial hypercholesterolaemia; Familial hypercholesterolemias. Identifiers: MedGen C0020445, MONDO:0005439.
Cardiovascular phenotype. Identifiers: MedGen CN230736.
Hypercholesterolemia, autosomal dominant, 3 (FHCL3). Also called: Familial Hypercholesterolemia, Autosomal Dominant, 3; PCSK9-Related Familial Hypercholesterolemia, Autosomal Dominant; Familial hypercholesterolemia 3. Identifiers: MedGen C1863551, MONDO:0011369, OMIM 603776.
Hypercholesterolemia, familial, 1. Also called: LDL RECEPTOR DISORDER; Hyperlipoproteinemia Type IIa; HYPER-LOW-DENSITY-LIPOPROTEINEMIA; HYPERCHOLESTEROLEMIC XANTHOMATOSIS, FAMILIAL; Fredrickson type IIa hyperlipoproteinemia; Hyperlipoproteinemia type 2. Identifiers: Orphanet 391665, MedGen C0745103, MONDO:0007750, OMIM 143890.

Allele frequency attached by ClinVar (database versions not stated): gnomAD exomes 0.00217; ExAC 0.00259; gnomAD 0.00804 and 0.00856; 1000 Genomes Project 0.00819; TOPMed 0.00884; 1000 Genomes Project 30x 0.00953; ESP Exome Variant Server 0.01000.
gnomAD v4.1: 2,436 of 1,613,342 alleles (0.15%); highest among the groups gnomAD compares: African/African-American, 2.8%; 29 homozygotes.

Submissions (14):

GENinCode PLC
Classification: Benign for Familial hypercholesterolemia. Last evaluated: 2026-05-11. Review status: criteria provided, single submitter. Criteria: ACMG Guidelines, 2015. Collection method: clinical testing. Allele origin: germline.
Comment: The PCSK9 c.1326C>T p.(Ala442=) variant is a synonymous (silent) variant. The GrpMax filtering allele frequency in gnomAD v4.1.1 is 0.02706 in the African/ African American genetic ancestry group. This is higher than our in-house threshold (0.005 for BA1) and therefore meets this criterion and is classified as Benign.

Labcorp Genetics (formerly Invitae), Labcorp
Classification: Benign for Hypercholesterolemia, autosomal dominant, 3. Last evaluated: 2026-02-02. Review status: criteria provided, single submitter. Criteria: Invitae Variant Classification Sherloc (09022015). Collection method: clinical testing. Allele origin: germline.

Molecular Diagnostic Laboratory for Inherited Cardiovascular Disease, Montreal Heart Institute
Classification: Benign. Last evaluated: 2025-04-09. Review status: criteria provided, single submitter. Criteria: ACMG Guidelines, 2015. Collection method: clinical testing. Allele origin: germline. Affected: no.

Blueprint Genetics
Classification: Likely benign. Last evaluated: 2024-11-13. Review status: criteria provided, single submitter. Criteria: ACMG Guidelines, 2015. Collection method: clinical testing. Allele origin: germline.

ARUP Laboratories, Molecular Genetics and Genomics, ARUP Laboratories
Classification: Benign. Last evaluated: 2024-05-06. Review status: criteria provided, single submitter. Criteria: ARUP Molecular Germline Variant Investigation Process 2024. Collection method: clinical testing. Allele origin: germline.

All of Us Research Program, National Institutes of Health
Classification: Benign for Hypercholesterolemia, autosomal dominant, 3. Last evaluated: 2024-02-05. Review status: criteria provided, single submitter. Criteria: ACMG Guidelines, 2015. Collection method: clinical testing. Allele origin: germline. Inheritance: Autosomal dominant inheritance. Observed: 470 variant alleles, 466 heterozygotes, 4 homozygotes.
Comment: This study involves interpretation of variants in research participants for the purpose of population health screening. Participant phenotype was not available at the time of variant classification. Additional details can be found in publication PMID: 35346344, PMCID: PMC8962531

Quest Diagnostics Nichols Institute San Juan Capistrano
Classification: Benign. Last evaluated: 2023-01-09. Review status: criteria provided, single submitter. Criteria: Quest Diagnostics criteria. Collection method: clinical testing. Allele origin: unknown.

GeneDx
Classification: Likely benign. Last evaluated: 2018-04-30. Review status: criteria provided, single submitter. Criteria: GeneDx Variant Classification (06012015). Collection method: clinical testing. Allele origin: germline. Affected: yes.
Comment: This variant is considered likely benign or benign based on one or more of the following criteria: it is a conservative change, it occurs at a poorly conserved position in the protein, it is predicted to be benign by multiple in silico algorithms, and/or has population frequency not consistent with disease.

Illumina Laboratory Services, Illumina
Classification: Benign for Hypobetalipoproteinemia. Last evaluated: 2018-01-13. Review status: criteria provided, single submitter. Criteria: ICSL Variant Classification Criteria 13 December 2019. Collection method: clinical testing. Allele origin: germline.
Comment: This variant was observed in the ICSL laboratory as part of a predisposition screen in an ostensibly healthy population. It had not been previously curated by ICSL or reported in the Human Gene Mutation Database (HGMD: prior to June 1st, 2018), and was therefore a candidate for classification through an automated scoring system. Utilizing variant allele frequency, disease prevalence and penetrance estimates, and inheritance mode, an automated score was calculated to assess if this variant is too frequent to cause the disease. Based on the score and internal cut-off values, a variant classified as benign is not then subjected to further curation. The score for this variant resulted in a classification of benign for this disease.

Illumina Laboratory Services, Illumina
Classification: Likely benign for Hypercholesterolemia, autosomal dominant, 3. Last evaluated: 2018-01-13. Review status: criteria provided, single submitter. Criteria: ICSL Variant Classification Criteria 13 December 2019. Collection method: clinical testing. Allele origin: germline.
Comment: This variant was observed in the ICSL laboratory as part of a predisposition screen in an ostensibly healthy population. It had not been previously curated by ICSL or reported in the Human Gene Mutation Database (HGMD: prior to June 1st, 2018), and was therefore a candidate for classification through an automated scoring system. Utilizing variant allele frequency, disease prevalence and penetrance estimates, and inheritance mode, an automated score was calculated to assess if this variant is too frequent to cause the disease. Based on the score and internal cut-off values, a variant classified as likely benign is not then subjected to further curation. The score for this variant resulted in a classification of likely benign for this disease.

Robarts Research Institute, Western University
Classification: Benign for Hypercholesterolemia, familial, 1. Last evaluated: 2018-01-02. Review status: criteria provided, single submitter. Criteria: ACMG Guidelines, 2015. Collection method: clinical testing. Allele origin: germline. Inheritance: Autosomal dominant inheritance. Affected: yes.

Color Diagnostics, LLC DBA Color Health
Classification: Benign for Familial hypercholesterolemia. Last evaluated: 2017-06-02. Review status: criteria provided, single submitter. Criteria: ACMG Guidelines, 2015. Collection method: clinical testing. Allele origin: germline.

Ambry Genetics
Classification: Benign for Cardiovascular phenotype. Last evaluated: 2014-09-29. Review status: criteria provided, single submitter. Criteria: Ambry Variant Classification Scheme 2023. Collection method: clinical testing. Allele origin: germline.

Breakthrough Genomics
Classification: Likely benign. Review status: criteria provided, single submitter. Criteria: ACMG Guidelines, 2015. Collection method: not provided. Allele origin: germline. Inheritance: Autosomal dominant inheritance. Affected: yes.

NM_174936.4(PCSK9):c.1326C>T (p.Ala442=)

Gene: PCSK9 (proprotein convertase subtilisin/kexin type 9; plus strand). Cytogenetic location: 1p32.3.
Variant type: single nucleotide variant.
Coding change: c.1326C>T on transcript NM_174936.4 (MANE Select); coding-DNA position 1326, C replaced by T.
Protein change: p.Ala442=; no amino-acid change (alanine 442 retained).
Molecular consequence: synonymous variant.
Genome position (GRCh38, 1-based): chr1:55,058,181, C>T. VCF-style: chr1-55058181-C-T. GRCh37 (hg19) VCF-style: chr1-55523854-C-T.
Identifiers: ClinVar variation 297701 (VCV000297701.33), dbSNP rs28362262, ClinGen allele CA036336.